The following is an entry in ClinVar:

ClinVar aggregate classification (germline): Uncertain significance. Review status: criteria provided, single submitter (1 of 4 stars). 2 submissions from 2 submitters: Uncertain significance (1). 1 of the submissions does not count toward it. Last evaluated 2022-03-08.

Conditions:
Propionic acidemia (PROP). Also called: GLYCINEMIA, KETOTIC; HYPERGLYCINEMIA WITH KETOACIDOSIS AND LEUKOPENIA; KETOTIC HYPERGLYCINEMIA. Identifiers: Orphanet 35, MedGen C0268579, MONDO:0011628, OMIM 606054, HP:0003571.

Allele frequency attached by ClinVar (database versions not stated): gnomAD exomes below 0.00001; ESP Exome Variant Server 0.00008.
gnomAD v4.1: 2 of 1,614,076 alleles (0.00012%); highest among the groups gnomAD compares: Non-Finnish European, 0.00017%; no homozygotes.

Submissions (2):

Labcorp Genetics (formerly Invitae), Labcorp
Classification: Uncertain significance for Propionic acidemia. Last evaluated: 2022-03-08. Review status: criteria provided, single submitter. Criteria: Invitae Variant Classification Sherloc (09022015). Collection method: clinical testing. Allele origin: germline.
Comment: This sequence change replaces glycine, which is neutral and non-polar, with arginine, which is basic and polar, at codon 719 of the PCCA protein (p.Gly719Arg). This variant is not present in population databases (gnomAD no frequency). This variant has not been reported in the literature in individuals affected with PCCA-related conditions. ClinVar contains an entry for this variant (Variation ID: 843945). Advanced modeling of protein sequence and biophysical properties (such as structural, functional, and spatial information, amino acid conservation, physicochemical variation, residue mobility, and thermodynamic stability) performed at Invitae indicates that this missense variant is not expected to disrupt PCCA protein function. In summary, the available evidence is currently insufficient to determine the role of this variant in disease. Therefore, it has been classified as a Variant of Uncertain Significance.

Natera, Inc.
Classification: Uncertain significance for Propionic acidemia. Last evaluated: 2020-03-18. Review status: no assertion criteria provided. Collection method: clinical testing. Allele origin: germline. Not counted in ClinVar's aggregate classification.

NM_000282.4(PCCA):c.2155G>A (p.Gly719Arg)

Gene: PCCA (propionyl-CoA carboxylase subunit alpha; plus strand). Cytogenetic location: 13q32.3.
Variant type: single nucleotide variant.
Coding change: c.2155G>A on transcript NM_000282.4 (MANE Select); coding-DNA position 2155, G replaced by A.
Protein change: p.Gly719Arg; replaces glycine 719 with arginine.
Molecular consequence: missense variant. On other transcripts: non-coding transcript variant (5).
Genome position (GRCh38, 1-based): chr13:100,530,134, G>A. VCF-style: chr13-100530134-G-A. GRCh37 (hg19) VCF-style: chr13-101182388-G-A.
Other names: c.2077G>A, p.Gly693Arg (NM_001127692.3); c.2014G>A, p.Gly672Arg (NM_001178004.2); c.2101G>A, p.Gly701Arg (NM_001352605.2); c.2011G>A, p.Gly671Arg (NM_001352606.2); c.1936G>A, p.Gly646Arg (NM_001352607.2); c.1933G>A, p.Gly645Arg (NM_001352608.2); c.1210G>A, p.Gly404Arg (NM_001352610.2); c.1156G>A, p.Gly386Arg (NM_001352611.2); and 1 more; short protein forms G646R, G671R, G701R, G645R, G672R, G693R, G356R, G386R.
Identifiers: ClinVar variation 843945 (VCV000843945.7), dbSNP rs141286340, ClinGen allele CA255373018.